The following is an entry in ClinVar:

ClinVar aggregate classification (germline): Conflicting classifications of pathogenicity. Review status: criteria provided, conflicting classifications (1 of 4 stars). 12 submissions from 12 submitters: Uncertain significance (8); Likely benign (4). Last evaluated 2026-02-03.

Conditions:
Aortic aneurysm, familial thoracic 4 (AAT4). Also called: AORTIC ANEURYSM/AORTIC DISSECTION AND PATENT DUCTUS ARTERIOSUS. Identifiers: MedGen C1851504, MONDO:0007568, OMIM 132900.
Visceral myopathy 2. Identifiers: MedGen C5543466, MONDO:0859157, OMIM 619350.
Megacystis-microcolon-intestinal hypoperistalsis syndrome 2. Identifiers: MedGen C5543476, MONDO:0025708, OMIM 619351.
Familial thoracic aortic aneurysm and aortic dissection (TAAD). Also called: Thoracic aortic aneurysms and dissections. Identifiers: Orphanet 91387, MedGen C4707243, MONDO:0019625.

Allele frequency attached by ClinVar (database versions not stated): ExAC 0.00019; TOPMed 0.00023; gnomAD exomes 0.00024 and 0.00066; gnomAD 0.00031 and 0.00033; ESP Exome Variant Server 0.00054.
gnomAD v4.1: 995 of 1,609,050 alleles (0.062%); highest among the groups gnomAD compares: Non-Finnish European, 0.08%; 1 homozygote.

Submissions (12):

Labcorp Genetics (formerly Invitae), Labcorp
Classification: Uncertain significance for Aortic aneurysm, familial thoracic 4. Last evaluated: 2026-02-03. Review status: criteria provided, single submitter. Criteria: Invitae Variant Classification Sherloc (09022015). Collection method: clinical testing. Allele origin: germline.
Comment: This sequence change replaces valine, which is neutral and non-polar, with isoleucine, which is neutral and non-polar, at codon 1766 of the MYH11 protein (p.Val1766Ile). This variant is present in population databases (rs138059405, gnomAD 0.05%). This variant has not been reported in the literature in individuals affected with MYH11-related conditions. ClinVar contains an entry for this variant (Variation ID: 201037). Invitae Evidence Modeling of protein sequence and biophysical properties (such as structural, functional, and spatial information, amino acid conservation, physicochemical variation, residue mobility, and thermodynamic stability) indicates that this missense variant is not expected to disrupt MYH11 protein function with a negative predictive value of 95%. In summary, the available evidence is currently insufficient to determine the role of this variant in disease. Therefore, it has been classified as a Variant of Uncertain Significance.

ARUP Laboratories, Molecular Genetics and Genomics, ARUP Laboratories
Classification: Uncertain significance. Last evaluated: 2025-06-11. Review status: criteria provided, single submitter. Criteria: ARUP Molecular Germline Variant Investigation Process 2024. Collection method: clinical testing. Allele origin: germline.
Comment: The MYH11 c.5275G>A; p.Val1759Ile variant (rs138059405, ClinVar Variation ID: 201037) is reported in the literature in one individual affected with a neuroinflammatory disease without disease causality (McCreary 2019). This variant is found in the general population with an overall allele frequency of 0.03% (72/279,082 alleles) in the Genome Aggregation Database (v2.1.1). Computational analyses predict that this variant is neutral (REVEL: 0.127). Due to limited information, the clinical significance of this variant is uncertain at this time. References: McCreary D et al. Development and Validation of a Targeted Next-Generation Sequencing Gene Panel for Children With Neuroinflammation. JAMA Netw Open. 2019 Oct 2;2(10):e1914274. PMID: 31664448.

GeneDx
Classification: Uncertain significance. Last evaluated: 2025-06-10. Review status: criteria provided, single submitter. Criteria: GeneDx Variant Classification Process June 2021. Collection method: clinical testing. Allele origin: germline. Affected: yes.
Comment: Identified in a patient with optic atrophy with vision loss, oral ulcerations, arthralgia, and fatigue in the literature, although this patient was reported to have variants in multiple other genes with an unknown molecular diagnosis (PMID: 31664448); In silico analysis suggests that this missense variant does not alter protein structure/function; This variant is associated with the following publications: (PMID: 31664448)

Women's Health and Genetics/Laboratory Corporation of America, LabCorp
Classification: Likely benign. Last evaluated: 2024-09-09. Review status: criteria provided, single submitter. Criteria: LabCorp Variant Classification Summary - May 2015. Collection method: clinical testing. Allele origin: germline.
Comment: Variant summary: MYH11 c.5296G>A (p.Val1766Ile) results in a conservative amino acid change located in the Myosin tail (IPR002928) of the encoded protein sequence. Five of five in-silico tools predict a benign effect of the variant on protein function. The variant allele was found at a frequency of 0.00024 in 247728 control chromosomes, predominantly at a frequency of 0.00043 within the Non-Finnish European subpopulation in the gnomAD database. The observed variant frequency within Non-Finnish European control individuals in the gnomAD database is approximately 34 fold of the estimated maximal expected allele frequency for a pathogenic variant in MYH11 causing Thoracic Aortic Aneurysms And Dissections phenotype (1.3e-05). c.5296G>A has been reported in the literature in one individual with suspected genetic neuroinflammatory disorders (McCreary_2019). These report(s) do not provide unequivocal conclusions about association of the variant with Thoracic Aortic Aneurysms And Dissections. To our knowledge, no experimental evidence demonstrating an impact on protein function has been reported. The following publication have been ascertained in the context of this evaluation (PMID: 31664448). ClinVar contains an entry for this variant (Variation ID: 201037). Based on the evidence outlined above, the variant was classified as likely benign.

Ambry Genetics
Classification: Likely benign for Familial thoracic aortic aneurysm and aortic dissection. Last evaluated: 2024-05-02. Review status: criteria provided, single submitter. Criteria: Ambry Variant Classification Scheme 2023. Collection method: clinical testing. Allele origin: germline.

Mayo Clinic Laboratories, Mayo Clinic
Classification: Uncertain significance. Last evaluated: 2023-07-05. Review status: criteria provided, single submitter. Criteria: ACMG Guidelines, 2015. Collection method: clinical testing. Allele origin: germline. Observed: 1 variant allele.
Comment: BP4

Department of Pathology and Laboratory Medicine, Sinai Health System
Classification: Uncertain significance for Aortic aneurysm, familial thoracic 4; Visceral myopathy 2; Megacystis-microcolon-intestinal hypoperistalsis syndrome 2. Last evaluated: 2022-02-15. Review status: criteria provided, single submitter. Criteria: ACMG Guidelines, 2015. Collection method: research. Allele origin: germline.

Color Diagnostics, LLC DBA Color Health
Classification: Likely benign for Familial thoracic aortic aneurysm and aortic dissection. Last evaluated: 2019-09-30. Review status: criteria provided, single submitter. Criteria: ACMG Guidelines, 2015. Collection method: clinical testing. Allele origin: germline.

Illumina Laboratory Services, Illumina
Classification: Uncertain significance for Aortic aneurysm, familial thoracic 4. Last evaluated: 2018-01-12. Review status: criteria provided, single submitter. Criteria: ICSL Variant Classification Criteria 13 December 2019. Collection method: clinical testing. Allele origin: germline.

CHEO Genetics Diagnostic Laboratory, Children's Hospital of Eastern Ontario
Classification: Likely benign for Familial thoracic aortic aneurysm and aortic dissection. Last evaluated: 2017-10-19. Review status: criteria provided, single submitter. Criteria: ACMG Guidelines, 2015. Collection method: clinical testing. Allele origin: germline. Study: Canadian Open Genetics Repository.

Eurofins Ntd Llc (ga)
Classification: Uncertain significance. Last evaluated: 2017-01-03. Review status: criteria provided, single submitter. Criteria: EGL Classification Definitions 2015. Collection method: clinical testing. Allele origin: germline. Observed: 3 variant alleles, 3 heterozygotes.

Genomic Diagnostic Laboratory, Division of Genomic Diagnostics, Children's Hospital of Philadelphia
Classification: Uncertain significance for Aortic aneurysm, familial thoracic 4. Last evaluated: 2015-10-30. Review status: criteria provided, single submitter. Criteria: DGD Variant Analysis Guidelines. Collection method: clinical testing. Allele origin: unknown.

Literature cited by the submitters: PubMed 31664448 (cited by Women's Health and Genetics/Laboratory Corporation of America, LabCorp).

NM_002474.3(MYH11):c.5275G>A (p.Val1759Ile)

Genes: NDE1 (nudE neurodevelopment protein 1; plus strand), MYH11 (myosin heavy chain 11; minus strand). Cytogenetic location: 16p13.11.
Variant type: single nucleotide variant.
Coding change: c.5275G>A on transcript NM_002474.3 (MANE Select); coding-DNA position 5275, G replaced by A.
Protein change: p.Val1759Ile; replaces valine 1759 with isoleucine.
Molecular consequence: missense variant. On other transcripts: intron variant (2).
Genome position (GRCh38, 1-based): chr16:15,718,335, C>T on the plus strand (G>A on the coding strand, the complement: MYH11 is on the minus strand). VCF-style: chr16-15718335-C-T. GRCh37 (hg19) VCF-style: chr16-15812192-C-T.
Other names: p.V1759I:GTC>ATC; p.Val1766Ile; c.5296G>A, p.Val1766Ile (NM_001040113.2, NM_001040114.2); c.5275G>A, p.Val1759Ile (NM_022844.3); c.948-5856C>T (NM_001143979.2, NM_017668.3); short protein forms V1759I, V1766I.
Identifiers: ClinVar variation 201037 (VCV000201037.39), dbSNP rs138059405, ClinGen allele CA306464.